The following is an entry in ClinVar:

ClinVar aggregate classification (germline): Uncertain significance. Review status: criteria provided, multiple submitters, no conflicts (2 of 4 stars). 2 submissions from 2 submitters: Uncertain significance (2). Last evaluated 2025-06-18.

Conditions:
Inborn genetic diseases. Identifiers: MedGen C0950123, MeSH D030342.

Submissions (2):

Ambry Genetics
Classification: Uncertain significance for Inborn genetic diseases. Last evaluated: 2025-06-18. Review status: criteria provided, single submitter. Criteria: Ambry Variant Classification Scheme 2023. Collection method: clinical testing. Allele origin: germline.

GeneDx
Classification: Uncertain significance. Last evaluated: 2023-01-03. Review status: criteria provided, single submitter. Criteria: GeneDx Variant Classification Process June 2021. Collection method: clinical testing. Allele origin: germline. Affected: yes.
Comment: Not observed at significant frequency in large population cohorts (gnomAD); In silico analysis supports that this missense variant has a deleterious effect on protein structure/function; Has not been previously published as pathogenic or benign to our knowledge

NM_002430.3(MN1):c.2108G>T (p.Gly703Val)

Gene: MN1 (MN1 proto-oncogene, transcriptional regulator; minus strand). Cytogenetic location: 22q12.1.
Variant type: single nucleotide variant.
Coding change: c.2108G>T on transcript NM_002430.3 (MANE Select); coding-DNA position 2108, G replaced by T.
Protein change: p.Gly703Val; replaces glycine 703 with valine.
Molecular consequence: missense variant.
Genome position (GRCh38, 1-based): chr22:27,798,436, C>A on the plus strand (G>T on the coding strand, the complement: MN1 is on the minus strand). VCF-style: chr22-27798436-C-A. GRCh37 (hg19) VCF-style: chr22-28194424-C-A.
Other names: short protein forms G703V.
Identifiers: ClinVar variation 2507371 (VCV002507371.2), dbSNP rs1367862555, ClinGen allele CA411046356.
Genomic context (GRCh38, chr22:27,798,436, plus strand): 5'-CTGGGGAGCCCCACGCCCGCCCCGGGCGACTGCAGCTGACCCAGGCCTCCCAGACTGCCC[C>A]CGAACTGCAGGCCCGGTGAAGGCAGCGCGGGCACGTGGCCCTCTCCGGGCATCCTCATCG-3'
Protein context (NP_002421.3, residues 693-713): PALPSPGLQF[Gly703Val]GSLGGLGQLQ